The following is an entry in ClinVar:

ClinVar aggregate classification (germline): Likely benign (1 of 4 stars; one submission).

Conditions:
KIDINS220-related disorder. Also called: KIDINS220-related condition.

gnomAD v4.1: 3 of 1,613,540 alleles (0.00019%); highest among the groups gnomAD compares: Non-Finnish European, 0.00025%; no homozygotes.

Submission:

PreventionGenetics, part of Exact Sciences
Classification: Likely benign for KIDINS220-related condition. Last evaluated: 2025-02-17. Review status: criteria provided, single submitter. Criteria: ACMG Guidelines, 2015. Collection method: clinical testing. Allele origin: germline.
Comment: This variant is classified as likely benign based on ACMG/AMP sequence variant interpretation guidelines (Richards et al. 2015 PMID: 25741868, with internal and published modifications).

NM_020738.4(KIDINS220):c.2614+9C>T

Gene: KIDINS220 (kinase D interacting substrate 220; minus strand). Cytogenetic location: 2p25.1.
Variant type: single nucleotide variant.
Coding change: c.2614+9C>T on transcript NM_020738.4 (MANE Select); 9 bases into the intron after coding-DNA position 2614, C replaced by T.
Molecular consequence: intron variant.
Genome position (GRCh38, 1-based): chr2:8,778,887, G>A on the plus strand (C>T on the coding strand, the complement: KIDINS220 is on the minus strand). VCF-style: chr2-8778887-G-A. GRCh37 (hg19) VCF-style: chr2-8919017-G-A.
Other names: c.2614+9C>T (NM_001348741.2, NM_001348738.2, NM_001348742.2 and 3 more transcripts); c.2617+9C>T (NM_001348739.2, NM_001348740.2, NM_001348734.2 and 3 more transcripts); c.2488+9C>T (NM_001348736.2).
Identifiers: ClinVar variation 4986461 (VCV004986461.1).